The following is an entry in ClinVar:

ClinVar aggregate classification (germline): Pathogenic. Review status: criteria provided, single submitter (1 of 4 stars). 2 submissions from 2 submitters: Pathogenic (1). 1 of the submissions does not count toward it. Last evaluated 2023-05-23.

Conditions:
Pheochromocytoma/paraganglioma syndrome 4. Also called: SDHB-Related Hereditary Paraganglioma-Pheochromocytoma Syndrome (Paragangliomas 4); SDHB-Related Hereditary Paraganglioma-Pheochromocytoma Syndrome; CAROTID BODY TUMORS AND MULTIPLE EXTRAADRENAL PHEOCHROMOCYTOMAS; PARAGANGLIOMA, FAMILIAL MALIGNANT; PARAGANGLIOMAS, HEREDITARY EXTRAADRENAL; PHEOCHROMOCYTOMA, FAMILIAL EXTRAADRENAL. Identifiers: Orphanet 29072, MedGen C1861848, MONDO:0007273, OMIM 115310.
Gastrointestinal stromal tumor. Also called: Gastrointestinal stromal tumor, somatic; Gastrointestinal stroma tumor. Identifiers: Orphanet 44890, MedGen C0238198, MeSH D046152, MONDO:0011719, OMIM 606764, HP:0100723.
Pheochromocytoma. Also called: MAX-Related Hereditary Paraganglioma-Pheochromocytoma Syndrome. Identifiers: Orphanet 29072, MedGen C0031511, MONDO:0008233, OMIM 171300, HP:0002666.

Submissions (2):

Labcorp Genetics (formerly Invitae), Labcorp
Classification: Pathogenic for Gastrointestinal stromal tumor; Pheochromocytoma/paraganglioma syndrome 4; Pheochromocytoma. Last evaluated: 2023-05-23. Review status: criteria provided, single submitter. Criteria: Invitae Variant Classification Sherloc (09022015). Collection method: clinical testing. Allele origin: germline.
Comment: This variant disrupts the p.Cys113 amino acid residue in SDHB. Other variant(s) that disrupt this residue have been determined to be pathogenic (PMID: 19802898, 25025441, 26719882, 27896548, 30694796). This suggests that this residue is clinically significant, and that variants that disrupt this residue are likely to be disease-causing. For these reasons, this variant has been classified as Pathogenic. This sequence change replaces cysteine, which is neutral and slightly polar, with serine, which is neutral and polar, at codon 113 of the SDHB protein (p.Cys113Ser). This variant is not present in population databases (gnomAD no frequency). This missense change has been observed in individuals with SDHB-related conditions (PMID: 27539324; Invitae). ClinVar contains an entry for this variant (Variation ID: 219152). Advanced modeling of protein sequence and biophysical properties (such as structural, functional, and spatial information, amino acid conservation, physicochemical variation, residue mobility, and thermodynamic stability) performed at Invitae indicates that this missense variant is expected to disrupt SDHB protein function.

Endocrinology Clinic, Seth G.S. Medical College
Classification: Likely pathogenic for Pheochromocytoma. Last evaluated: 2015-12-01. Review status: no assertion criteria provided. Collection method: research. Allele origin: germline. Inheritance: Autosomal dominant inheritance. Affected: yes. Study: Spectrum of Germline Mutations in Indian Patients with Pheochromocytoma/ Paraganglioma (PHEO/PGL). Not counted in ClinVar's aggregate classification.

Literature cited by the submitters: PubMed 19802898 (cited by Labcorp Genetics (formerly Invitae), Labcorp); PubMed 25025441 (cited by Labcorp Genetics (formerly Invitae), Labcorp); PubMed 26719882 (cited by Labcorp Genetics (formerly Invitae), Labcorp); PubMed 27896548 (cited by Labcorp Genetics (formerly Invitae), Labcorp); PubMed 30694796 (cited by Labcorp Genetics (formerly Invitae), Labcorp); PubMed 27539324 (cited by Labcorp Genetics (formerly Invitae), Labcorp).

NM_003000.3(SDHB):c.338G>C (p.Cys113Ser)

Gene: SDHB (succinate dehydrogenase complex iron sulfur subunit B; minus strand). Cytogenetic location: 1p36.13.
Variant type: single nucleotide variant.
Coding change: c.338G>C on transcript NM_003000.3 (MANE Select); coding-DNA position 338, G replaced by C.
Protein change: p.Cys113Ser; replaces cysteine 113 with serine.
Molecular consequence: missense variant.
Genome position (GRCh38, 1-based): chr1:17,028,685, C>G on the plus strand (G>C on the coding strand, the complement: SDHB is on the minus strand). VCF-style: chr1-17028685-C-G. GRCh37 (hg19) VCF-style: chr1-17355180-C-G.
Other names: short protein forms C113S.
Identifiers: ClinVar variation 219152 (VCV000219152.6), dbSNP rs864321636, ClinGen allele CA279931.